The following is an entry in ClinVar:

ClinVar aggregate classification (germline): Uncertain significance (1 of 4 stars; one submission).

Conditions:
Aicardi-Goutieres syndrome 6 (AGS6). Identifiers: Orphanet 51, MedGen C3539013, MONDO:0014007, OMIM 615010.
Symmetrical dyschromatosis of extremities (DSH). Also called: DYSCHROMATOSIS SYMMETRICA HEREDITARIA 1; RETICULATE ACROPIGMENTATION OF DOHI; SYMMETRIC DYSCHROMATOSIS OF THE EXTREMITIES; Dyschromatosis symmetrica hereditaria. Identifiers: Orphanet 41, MedGen C0406775, MONDO:0007483, OMIM 127400.

Submission:

Labcorp Genetics (formerly Invitae), Labcorp
Classification: Uncertain significance for Aicardi-Goutieres syndrome 6; Symmetrical dyschromatosis of extremities. Last evaluated: 2025-10-01. Review status: criteria provided, single submitter. Criteria: Invitae Variant Classification Sherloc (09022015). Collection method: clinical testing. Allele origin: germline.
Comment: This sequence change replaces threonine, which is neutral and polar, with isoleucine, which is neutral and non-polar, at codon 805 of the ADAR protein (p.Thr805Ile). This variant is present in population databases (rs758419635, gnomAD 0.003%). This variant has not been reported in the literature in individuals affected with ADAR-related conditions. An algorithm developed to predict the effect of missense changes on protein structure and function (PolyPhen-2) suggests that this variant is likely to be tolerated. In summary, the available evidence is currently insufficient to determine the role of this variant in disease. Therefore, it has been classified as a Variant of Uncertain Significance.

NM_001111.5(ADAR):c.2414C>T (p.Thr805Ile)

Gene: ADAR (adenosine deaminase RNA specific; minus strand). Cytogenetic location: 1q21.3.
Variant type: single nucleotide variant.
Coding change: c.2414C>T on transcript NM_001111.5 (MANE Select); coding-DNA position 2414, C replaced by T.
Protein change: p.Thr805Ile; replaces threonine 805 with isoleucine.
Molecular consequence: missense variant.
Genome position (GRCh38, 1-based): chr1:154,590,266, G>A on the plus strand (C>T on the coding strand, the complement: ADAR is on the minus strand). VCF-style: chr1-154590266-G-A. GRCh37 (hg19) VCF-style: chr1-154562742-G-A.
Other names: c.1529C>T, p.Thr510Ile (NM_001025107.3, NM_001193495.2, NM_001365046.1 and 3 more transcripts); c.2441C>T, p.Thr814Ile (NM_001365045.1); c.2414C>T, p.Thr805Ile (NM_015840.4); c.2357C>T, p.Thr786Ile (NM_015841.4); short protein forms T814I, T805I, T510I, T786I.
Identifiers: ClinVar variation 4786287 (VCV004786287.1).
Genomic context (GRCh38, chr1:154,590,266, plus strand): 5'-GACCTTGAGAGGAGGAGCATAGTTCTTCTGAGACTGGCCCCTGTCACTGGGGTTACCTCT[G>A]TGAAACCCATGCGTTCTGCCTTCTCGTTCTCCCCAATCAAGACACGGAGAGCCGCATCTG-3'
Protein context (NP_001102.3, residues 795-815): ENEKAERMGF[Thr805Ile]EVTPVTGASL